The following is an entry in ClinVar:

ClinVar aggregate classification (germline): Uncertain significance (1 of 4 stars; one submission).

Submission:

GeneDx
Classification: Uncertain significance. Last evaluated: 2025-07-22. Review status: criteria provided, single submitter. Criteria: GeneDx Variant Classification Process June 2021. Collection method: clinical testing. Allele origin: germline. Affected: yes.
Comment: Not observed at significant frequency in large population cohorts (gnomAD); In silico analysis supports that this missense variant has a deleterious effect on protein structure/function; Has not been previously published as pathogenic or benign to our knowledge

NM_014762.4(DHCR24):c.102C>A (p.Phe34Leu)

Gene: DHCR24 (24-dehydrocholesterol reductase; minus strand). Cytogenetic location: 1p32.3.
Variant type: single nucleotide variant.
Coding change: c.102C>A on transcript NM_014762.4 (MANE Select); coding-DNA position 102, C replaced by A.
Protein change: p.Phe34Leu; replaces phenylalanine 34 with leucine.
Molecular consequence: missense variant.
Genome position (GRCh38, 1-based): chr1:54,887,018, G>T on the plus strand (C>A on the coding strand, the complement: DHCR24 is on the minus strand). VCF-style: chr1-54887018-G-T. GRCh37 (hg19) VCF-style: chr1-55352691-G-T.
Other names: short protein forms F34L.
Identifiers: ClinVar variation 4686869 (VCV004686869.1).